The following is an entry in ClinVar:

ClinVar aggregate classification (germline): Benign/Likely benign. Review status: criteria provided, multiple submitters, no conflicts (2 of 4 stars). 9 submissions from 9 submitters: Benign (2); Likely benign (5). 2 of the submissions do not count toward it. Last evaluated 2026-09-01.

Conditions:
Hereditary cancer-predisposing syndrome. Also called: Hereditary neoplastic syndrome; Tumor predisposition; Neoplastic Syndromes, Hereditary; Hereditary Cancer Syndrome. Identifiers: Orphanet 140162, MedGen C0027672, MeSH D009386, MONDO:0015356.
Tuberous sclerosis syndrome (TSC). Also called: Tuberous Sclerosis Complex; Tuberous sclerosis. Identifiers: Orphanet 805, MedGen C0041341, MONDO:0001734.
Tuberous sclerosis 2 (TSC2). Identifiers: Orphanet 805, MedGen C1860707, MONDO:0013199, OMIM 613254.

Allele frequency attached by ClinVar (database versions not stated): ExAC 0.00001; gnomAD exomes 0.00001 and 0.00002; TOPMed 0.00001.
gnomAD v4.1: 14 of 1,612,760 alleles (0.00087%); highest among the groups gnomAD compares: Non-Finnish European, 0.0011%; no homozygotes.

Submissions (9):

CeGaT Center for Human Genetics Tuebingen
Classification: Likely benign. Last evaluated: 2026-09-01. Review status: criteria provided, single submitter. Criteria: CeGaT Center For Human Genetics Tuebingen Variant Classification Criteria Version 2. Collection method: clinical testing. Allele origin: germline. Affected: yes. Observed: 2 variant alleles.
Comment: TSC2: BP4, BP7

Labcorp Genetics (formerly Invitae), Labcorp
Classification: Likely benign for Tuberous sclerosis 2. Last evaluated: 2025-12-18. Review status: criteria provided, single submitter. Criteria: Invitae Variant Classification Sherloc (09022015). Collection method: clinical testing. Allele origin: germline.

Myriad Genetics, Inc.
Classification: Benign for Tuberous sclerosis 2. Last evaluated: 2025-06-04. Review status: criteria provided, single submitter. Criteria: Myriad Autosomal Dominant, Autosomal Recessive and X-Linked Classification Criteria (2023). Collection method: clinical testing. Allele origin: unknown.
Comment: This variant is considered benign. This variant is a silent/synonymous amino acid change and it is not expected to impact splicing.

All of Us Research Program, National Institutes of Health
Classification: Likely benign for Tuberous sclerosis syndrome. Last evaluated: 2024-03-24. Review status: criteria provided, single submitter. Criteria: ACMG Guidelines, 2015. Collection method: clinical testing. Allele origin: germline. Inheritance: Autosomal dominant inheritance. Observed: 1 variant allele, 1 heterozygote.
Comment: This study involves interpretation of variants in research participants for the purpose of population health screening. Participant phenotype was not available at the time of variant classification. Additional details can be found in publication PMID: 35346344, PMCID: PMC8962531

Color Diagnostics, LLC DBA Color Health
Classification: Likely benign for Tuberous sclerosis syndrome. Last evaluated: 2024-03-19. Review status: criteria provided, single submitter. Criteria: ACMG Guidelines, 2015. Collection method: clinical testing. Allele origin: germline.

Genome-Nilou Lab
Classification: Benign for Tuberous sclerosis 2. Last evaluated: 2021-11-07. Review status: criteria provided, single submitter. Criteria: ACMG Guidelines, 2015. Collection method: clinical testing. Allele origin: germline. Affected: no.

Ambry Genetics
Classification: Likely benign for Hereditary cancer-predisposing syndrome. Last evaluated: 2016-10-14. Review status: criteria provided, single submitter. Criteria: Ambry Variant Classification Scheme 2023. Collection method: clinical testing. Allele origin: germline.

Clinical Genetics DNA and cytogenetics Diagnostics Lab, Erasmus MC, Erasmus Medical Center
Classification: Likely benign. Review status: no assertion criteria provided. Collection method: clinical testing. Allele origin: germline. Affected: yes. Study: VKGL Data-share Consensus. Not counted in ClinVar's aggregate classification.

Clinical Genetics, Academic Medical Center
Classification: Likely benign. Review status: no assertion criteria provided. Collection method: clinical testing. Allele origin: germline. Affected: yes. Study: VKGL Data-share Consensus. Not counted in ClinVar's aggregate classification.

NM_000548.5(TSC2):c.4599C>T (p.Leu1533=)

Gene: TSC2 (TSC complex subunit 2; plus strand). Cytogenetic location: 16p13.3.
Variant type: single nucleotide variant.
Coding change: c.4599C>T on transcript NM_000548.5 (MANE Select); coding-DNA position 4599, C replaced by T.
Protein change: p.Leu1533=; no amino-acid change (leucine 1533 retained).
Molecular consequence: synonymous variant.
Genome position (GRCh38, 1-based): chr16:2,085,259, C>T. VCF-style: chr16-2085259-C-T. GRCh37 (hg19) VCF-style: chr16-2135260-C-T.
Other names: c.4398C>T, p.Leu1466= (NM_001077183.3); c.4530C>T, p.Leu1510= (NM_001114382.3); c.4290C>T, p.Leu1430= (NM_001318827.2); c.4254C>T, p.Leu1418= (NM_001318829.2); c.3867C>T, p.Leu1289= (NM_001318831.2); c.4431C>T, p.Leu1477= (NM_001318832.2); c.4401C>T, p.Leu1467= (NM_001363528.2); c.4467C>T, p.Leu1489= (NM_001370404.1); and 1 more.
Identifiers: ClinVar variation 480844 (VCV000480844.48), dbSNP rs768431568, ClinGen allele CA051897.